The following is an entry in ClinVar:

NC_000007.13:g.(?_6026380)_(6042277_?)del

Gene: PMS2 (PMS1 homolog 2, mismatch repair system component; minus strand). Cytogenetic location: 7p22.1.
Variant type: Deletion.
Identifiers: ClinVar variation 1459541 (VCV001459541.4).

ClinVar aggregate classification (germline): Pathogenic (1 of 4 stars; one submission).

Conditions:
Hereditary nonpolyposis colorectal neoplasms. Identifiers: MedGen C0009405, MeSH D003123.

Submission:

Labcorp Genetics (formerly Invitae), Labcorp
Classification: Pathogenic for Hereditary nonpolyposis colorectal neoplasms. Last evaluated: 2022-05-07. Review status: criteria provided, single submitter. Criteria: Invitae Variant Classification Sherloc (09022015). Collection method: clinical testing. Allele origin: germline.
Comment: This variant is a gross deletion of the genomic region encompassing exons 5-15 of the PMS2 gene. The 5' boundary is likely confined to intron 4. The 3' end of this event is unknown as it extends through the termination codon beyond the assayed region for this gene and may encompass additional genes. While this deletion is not anticipated to lead to nonsense mediated decay, it is expected to alter mRNA translation or result in a truncated protein product. Similar deletions have been observed in individual(s) with clinical features of Lynch syndrome, however additional involvement of exons 3-4 could not be excluded (PMID: 25512458, 20186688). The region of the PMS2 gene that includes exon(s) exons 9-15 has been determined to be clinically significant (PMID: 21618646, 23629955). Therefore, deletions that encompass that region are likely to be disease-causing. For these reasons, this variant has been classified as Pathogenic.

Literature cited by the submitters: PubMed 25512458; PubMed 20186688; PubMed 21618646; PubMed 23629955.